The following is an entry in ClinVar:

NM_004044.7(ATIC):c.1597G>A (p.Glu533Lys)

Gene: ATIC (5-aminoimidazole-4-carboxamide ribonucleotide formyltransferase/IMP cyclohydrolase; plus strand). Cytogenetic location: 2q35.
Variant type: single nucleotide variant.
Coding change: c.1597G>A on transcript NM_004044.7 (MANE Select); coding-DNA position 1597, G replaced by A.
Protein change: p.Glu533Lys; replaces glutamic acid 533 with lysine.
Molecular consequence: missense variant.
Genome position (GRCh38, 1-based): chr2:215,349,187, G>A. VCF-style: chr2-215349187-G-A. GRCh37 (hg19) VCF-style: chr2-216213910-G-A.
Other names: short protein forms E533K.
Identifiers: ClinVar variation 722929 (VCV000722929.6), dbSNP rs145563811, ClinGen allele CA2093421.

ClinVar aggregate classification (germline): Likely benign. Review status: criteria provided, single submitter (1 of 4 stars). 2 submissions from 2 submitters: Likely benign (1). 1 of the submissions does not count toward it. Last evaluated 2025-09-27.

Conditions:
ATIC-related disorder. Also called: ATIC-related condition.

Allele frequency attached by ClinVar (database versions not stated): gnomAD exomes 0.00010 and 0.00036; ExAC 0.00044; TOPMed 0.00116; gnomAD 0.00120 and 0.00122; ESP Exome Variant Server 0.00131; 1000 Genomes Project 30x 0.00219; 1000 Genomes Project 0.00220.
gnomAD v4.1: 343 of 1,614,160 alleles (0.021%); highest among the groups gnomAD compares: African/African-American, 0.41%; 4 homozygotes.

Submissions (2):

Labcorp Genetics (formerly Invitae), Labcorp
Classification: Likely benign. Last evaluated: 2025-09-27. Review status: criteria provided, single submitter. Criteria: Invitae Variant Classification Sherloc (09022015). Collection method: clinical testing. Allele origin: germline.

PreventionGenetics, part of Exact Sciences
Classification: Likely benign for ATIC-related condition. Last evaluated: 2022-04-11. Review status: no assertion criteria provided. Collection method: clinical testing. Allele origin: germline. Not counted in ClinVar's aggregate classification.
Comment: This variant is classified as likely benign based on ACMG/AMP sequence variant interpretation guidelines (Richards et al. 2015 PMID: 25741868, with internal and published modifications).